The following is an entry in ClinVar:

NM_000260.4(MYO7A):c.4951G>A (p.Gly1651Ser)

Gene: MYO7A (myosin VIIA; plus strand). Cytogenetic location: 11q13.5.
Variant type: single nucleotide variant.
Coding change: c.4951G>A on transcript NM_000260.4 (MANE Select); coding-DNA position 4951, G replaced by A.
Protein change: p.Gly1651Ser; replaces glycine 1651 with serine.
Molecular consequence: missense variant.
Genome position (GRCh38, 1-based): chr11:77,201,546, G>A. VCF-style: chr11-77201546-G-A. GRCh37 (hg19) VCF-style: chr11-76912591-G-A.
Other names: c.4837G>A, p.Gly1613Ser (NM_001127180.2); c.4804G>A, p.Gly1602Ser (NM_001369365.1); short protein forms G1602S, G1651S, G1613S.
Identifiers: ClinVar variation 965138 (VCV000965138.16), dbSNP rs1201586094, ClinGen allele CA381951300.

ClinVar aggregate classification (germline): Pathogenic/Likely pathogenic. Review status: criteria provided, multiple submitters, no conflicts (2 of 4 stars). 7 submissions from 7 submitters: Pathogenic (3); Likely pathogenic (3). 1 of the submissions does not count toward it. Last evaluated 2025-09-15.

Conditions:
Usher syndrome. Also called: Usher Syndromes; Usher's syndrome. Identifiers: Orphanet 886, MedGen CN469326, MeSH D052245, MONDO:0019501. Disease mechanism: loss of function.
Autosomal recessive nonsyndromic hearing loss 2. Also called: DEAFNESS, AUTOSOMAL RECESSIVE 2; NEUROSENSORY NONSYNDROMIC RECESSIVE DEAFNESS 2. Identifiers: Orphanet 90636, MedGen C1838701, MONDO:0010807, OMIM 600060.
Usher syndrome type 1 (USH1). Also called: RETINITIS PIGMENTOSA AND CONGENITAL DEAFNESS. Identifiers: Orphanet 231169, Orphanet 886, MedGen C1568247, MONDO:0010168, OMIM 276900.
Usher syndrome type 1B (USH1B). Also called: Usher syndrome type IB. Identifiers: MedGen C1848638, MONDO:0700087.

Allele frequency attached by ClinVar (database versions not stated): gnomAD below 0.00001 and 0.00001; gnomAD exomes below 0.00001 and 0.00002.
gnomAD v4.1: 28 of 1,613,778 alleles (0.0017%); highest among the groups gnomAD compares: East Asian, 0.0022%; no homozygotes.

Submissions (7):

First Genomix Gene Laboratory, Genetic Diagnostics Department
Classification: Likely pathogenic for Autosomal recessive nonsyndromic hearing loss 2; Usher syndrome type 1. Last evaluated: 2025-09-15. Review status: criteria provided, single submitter. Criteria: ACMG Guidelines, 2015. Collection method: clinical testing. Allele origin: germline. Inheritance: Autosomal recessive inheritance. Affected: no. Observed: 1 variant allele.

Labcorp Genetics (formerly Invitae), Labcorp
Classification: Pathogenic. Last evaluated: 2025-04-30. Review status: criteria provided, single submitter. Criteria: Invitae Variant Classification Sherloc (09022015). Collection method: clinical testing. Allele origin: germline.
Comment: This sequence change replaces glycine, which is neutral and non-polar, with serine, which is neutral and polar, at codon 1651 of the MYO7A protein (p.Gly1651Ser). This variant is present in population databases (no rsID available, gnomAD 0.004%). This missense change has been observed in individual(s) with autosomal recessive deafness and/or Usher syndrome (PMID: 32747562, 33089500; internal data). ClinVar contains an entry for this variant (Variation ID: 965138). Invitae Evidence Modeling of protein sequence and biophysical properties (such as structural, functional, and spatial information, amino acid conservation, physicochemical variation, residue mobility, and thermodynamic stability) has been performed for this missense variant. However, the output from this modeling did not meet the statistical confidence thresholds required to predict the impact of this variant on MYO7A protein function. For these reasons, this variant has been classified as Pathogenic.

Natera, Inc.
Classification: Likely pathogenic for Usher syndrome type 1B. Last evaluated: 2024-12-16. Review status: criteria provided, single submitter. Criteria: Natera Variant Classification Schema (03/2026). Collection method: clinical testing. Allele origin: germline.
Comment: The c.4951G>A variant in MYO7A is a missense variant predicted to cause substitution of glycine to serine at amino acid 1651. This variant is rare in the general population with a frequency below the threshold expected for the associated phenotype(s). This variant has been observed in one or more individuals affected with the associated recessive disease, as either homozygous or compound heterozygous with a second variant (PMID: 25425308, 36011334, 38219857). Functional studies show that this variant may disrupt protein function (PMID: 32747562). Computational prediction algorithms indicate this variant is likely to affect gene or protein function. Given the available evidence, this variant is classified as Likely Pathogenic.

Women's Health and Genetics/Laboratory Corporation of America, LabCorp
Classification: Pathogenic for Usher syndrome. Last evaluated: 2024-10-16. Review status: criteria provided, single submitter. Criteria: LabCorp Variant Classification Summary - May 2015. Collection method: clinical testing. Allele origin: germline.
Comment: Variant summary: MYO7A c.4951G>A (p.Gly1651Ser) results in a non-conservative amino acid change located in the SH3 domain (IPR001452) of the encoded protein sequence. Five of five in-silico tools predict a damaging effect of the variant on protein function. The variant allele was found at a frequency of 4e-06 in 249202 control chromosomes. c.4951G>A has been reported in the literature in the homozygous and comopund heterozygous state in multiple individuals affected with Usher Syndrome, hearing loss, and inherited retinal disorders (Abu_2020, Wafa_2021, Feenstra_2022, Lin_2024, Zein_2014). These data indicate that the variant is very likely to be associated with disease. The following publications have been ascertained in the context of this evaluation (PMID: 32747562, 36011334, 38219857, 33089500, 25425308). ClinVar contains an entry for this variant (Variation ID: 965138). Based on the evidence outlined above, the variant was classified as pathogenic.

King Laboratory, University of Washington
Classification: Pathogenic for Autosomal recessive nonsyndromic hearing loss 2. Last evaluated: 2020-08-01. Review status: criteria provided, single submitter. Criteria: Abu Rayyan A et al. (Proc Natl Acad Sci U S A 2020). Collection method: research. Allele origin: germline. Affected: yes.
Comment: Based on analysis of patient-derived RNA, MYO7A c.4951G>A leads to skipping of exon 36 (191bp) in message, with stop at codon 1656 (Abu Rayyan 2020). It is absent from 1300 Palestinian controls and from gnomAD v2.1.1.

Juno Genomics, Hangzhou Juno Genomics, Inc
Classification: Likely pathogenic for Autosomal recessive nonsyndromic hearing loss 2; Usher syndrome type 1. Review status: criteria provided, single submitter. Criteria: ACMG Guidelines, 2015. Collection method: clinical testing. Allele origin: germline.
Comment: Absent from controls (or at extremely low frequency if recessive) in Genome Aggregation Database.;Multiple lines of computational evidence support a deleterious effect on the gene or gene product.;For recessive disorders, detected in trans with a pathogenic variant.;Patient's phenotype or family history is highly specific for a disease with a single genetic etiology.

Genomics England Pilot Project, Genomics England
Classification: Likely pathogenic for Autosomal recessive nonsyndromic hearing loss 2. Review status: no assertion criteria provided. Criteria: ACGS Guidelines, 2016. Collection method: clinical testing. Allele origin: germline. Affected: yes. Not counted in ClinVar's aggregate classification.

Literature cited by the submitters: PubMed 32747562 (cited by 3 submitters); PubMed 33089500 (cited by Labcorp Genetics (formerly Invitae), Labcorp and Women's Health and Genetics/Laboratory Corporation of America, LabCorp); PubMed 25425308 (cited by Natera, Inc. and Women's Health and Genetics/Laboratory Corporation of America, LabCorp); PubMed 36011334 (cited by Natera, Inc. and Women's Health and Genetics/Laboratory Corporation of America, LabCorp); PubMed 38219857 (cited by Natera, Inc. and Women's Health and Genetics/Laboratory Corporation of America, LabCorp).